The following is an entry in ClinVar:

NC_000017.10:g.(78086511_78086674)_(78087166_78090766)del

Gene: GAA (alpha glucosidase; plus strand). Cytogenetic location: 17q25.3.
Variant type: Deletion.
Identifiers: ClinVar variation 3895574 (VCV003895574.1).

ClinVar aggregate classification (germline): Pathogenic (1 of 4 stars; one submission).

Conditions:
Glycogen storage disease, type II (IOPD). Also called: POMPE DISEASE, INFANTILE-ONSET; GLYCOGEN STORAGE DISEASE II, INFANTILE-ONSET; ACID ALPHA-GLUCOSIDASE DEFICIENCY, INFANTILE-ONSET; GAA DEFICIENCY, INFANTILE-ONSET; ACID MALTASE DEFICIENCY, INFANTILE-ONSET; CARDIOMEGALIA GLYCOGENICA DIFFUSA. Identifiers: Orphanet 365, MedGen C0017921, MONDO:0009290, OMIM 232300.

Submission:

Women's Health and Genetics/Laboratory Corporation of America, LabCorp
Classification: Pathogenic for Glycogen storage disease, type II. Last evaluated: 2025-03-18. Review status: criteria provided, single submitter. Criteria: LabCorp Variant Classification Summary - May 2015. Collection method: clinical testing. Allele origin: germline.
Comment: Variant summary: The variant involves the deletion of exons 14-15 in the GAA gene. A presumed nomenclature of c.(1888+1_1889-1)_(2189+1_2190-1)del has been designated for the purposes of this classification. This Copy Number Variant (CNV) is expected to alter the reading frame and predicted to result in a truncation or absence of the encoded protein due to nonsense mediated decay (NMD). The variant was absent in 21694 control chromosomes. To our knowledge, no occurrence of c.(1888+1_1889-1)_(2189+1_2190-1)del in individuals affected with Glycogen Storage Disease, Type 2 (Pompe Disease) and no experimental evidence demonstrating its impact on protein function have been reported. No submitters have cited clinical-significance assessments for this variant to ClinVar. Based on the evidence outlined above, the variant was classified as pathogenic.